The following is an entry in ClinVar:

NM_024753.5(TTC21B):c.11A>C (p.Gln4Pro)

Gene: TTC21B (tetratricopeptide repeat domain 21B; minus strand). Cytogenetic location: 2q24.3.
Variant type: single nucleotide variant.
Coding change: c.11A>C on transcript NM_024753.5 (MANE Select); coding-DNA position 11, A replaced by C.
Protein change: p.Gln4Pro; replaces glutamine 4 with proline.
Molecular consequence: missense variant.
Genome position (GRCh38, 1-based): chr2:165,953,695, T>G on the plus strand (A>C on the coding strand, the complement: TTC21B is on the minus strand). VCF-style: chr2-165953695-T-G. GRCh37 (hg19) VCF-style: chr2-166810205-T-G.
Other names: short protein forms Q4P.
Identifiers: ClinVar variation 1996386 (VCV001996386.1), dbSNP rs1687836556, ClinGen allele CA349057209.

ClinVar aggregate classification (germline): Uncertain significance (1 of 4 stars; one submission).

Conditions:
Jeune thoracic dystrophy. Also called: Jeune syndrome; Infantile thoracic dystrophy; Thoracic pelvic phalangeal dystrophy; Jeune's syndrome; Chondroectodermal dysplasia-like syndrome; Short-rib thoracic dysplasia. Identifiers: Orphanet 474, MedGen C0265275, MONDO:0018770.
Nephronophthisis. Also called: Juvenile Nephronophthisis. Identifiers: Orphanet 655, MedGen C0687120, MONDO:0019005, HP:0000090.

gnomAD v4.1: 14 of 1,445,180 alleles (0.00097%); highest among the groups gnomAD compares: Non-Finnish European, 0.0013%; no homozygotes.

Submission:

Labcorp Genetics (formerly Invitae), Labcorp
Classification: Uncertain significance for Jeune thoracic dystrophy; Nephronophthisis. Last evaluated: 2022-03-14. Review status: criteria provided, single submitter. Criteria: Invitae Variant Classification Sherloc (09022015). Collection method: clinical testing. Allele origin: germline.
Comment: This sequence change replaces glutamine, which is neutral and polar, with proline, which is neutral and non-polar, at codon 4 of the TTC21B protein (p.Gln4Pro). This variant is not present in population databases (gnomAD no frequency). This variant has not been reported in the literature in individuals affected with TTC21B-related conditions. Algorithms developed to predict the effect of missense changes on protein structure and function (SIFT, PolyPhen-2, Align-GVGD) all suggest that this variant is likely to be tolerated. In summary, the available evidence is currently insufficient to determine the role of this variant in disease. Therefore, it has been classified as a Variant of Uncertain Significance.